The following is an entry in ClinVar:

ClinVar aggregate classification (germline): Pathogenic. Review status: criteria provided, multiple submitters, no conflicts (2 of 4 stars). 3 submissions from 3 submitters: Pathogenic (3). Last evaluated 2025-12-21.

Conditions:
Isovaleryl-CoA dehydrogenase deficiency (IVA). Also called: ISOVALERIC ACID CoA DEHYDROGENASE DEFICIENCY; Isovaleric acidemia; IVD DEFICIENCY; Classic Isovaleric Acidemia. Identifiers: Orphanet 33, MedGen C0268575, MONDO:0009475, OMIM 243500.

gnomAD v4.1: 1 of 1,613,950 alleles (0.000062%); highest among the groups gnomAD compares: Non-Finnish European, 0.000085%; no homozygotes.

Submissions (3):

Labcorp Genetics (formerly Invitae), Labcorp
Classification: Pathogenic for Isovaleryl-CoA dehydrogenase deficiency. Last evaluated: 2025-12-21. Review status: criteria provided, single submitter. Criteria: Invitae Variant Classification Sherloc (09022015). Collection method: clinical testing. Allele origin: germline.
Comment: This sequence change affects an acceptor splice site in intron 8 of the IVD gene. It is expected to disrupt RNA splicing. Variants that disrupt the donor or acceptor splice site typically lead to a loss of protein function (PMID: 16199547), and loss-of-function variants in IVD are known to be pathogenic (PMID: 16602101). This variant is not present in population databases (gnomAD no frequency). Disruption of this splice site has been observed in individuals with isovaleric acidemia (PMID: 15486829, 33496032). This variant is also known as IVS8-2A>G. ClinVar contains an entry for this variant (Variation ID: 4081711). Algorithms developed to predict the effect of sequence changes on RNA splicing suggest that this variant may disrupt the consensus splice site. For these reasons, this variant has been classified as Pathogenic.

Myriad Genetics, Inc.
Classification: Pathogenic for Isovaleryl-CoA dehydrogenase deficiency. Last evaluated: 2025-06-27. Review status: criteria provided, single submitter. Criteria: Myriad Autosomal Dominant, Autosomal Recessive and X-Linked Classification Criteria (2023). Collection method: clinical testing. Allele origin: unknown.
Comment: NM_002225.3(IVD):c.888-2A>G is a variant in a canonical splice site classified as pathogenic in the context of isovaleric acidemia. c.888-2A>G has been observed in cases with relevant disease (PMID: 15486829, 37429829). Relevant functional assessments of this variant are not available in the literature. c.888-2A>G has not been observed in referenced population frequency databases. In summary, NM_002225.3(IVD):c.888-2A>G is a variant in a canonical splice site in a gene where loss of function is a known mechanism of disease, is predicted to disrupt protein function, and has been observed more frequently in cases with the relevant disease than in healthy populations. Please note: this variant was assessed in the context of healthy population screening.

Natera, Inc.
Classification: Pathogenic for Isovaleryl-coa dehydrogenase deficiency. Last evaluated: 2024-11-04. Review status: criteria provided, single submitter. Criteria: Natera Variant Classification Schema (03/2026). Collection method: clinical testing. Allele origin: germline.
Comment: The c.888-2A>G variant in IVD is a canonical splice acceptor site variant predicted to affect pre-mRNA splicing, which may result in an abnormal transcript and altered protein product. This variant is expected to result in nonsense mediated decay, truncation, or a dysfunctional protein product. This variant is rare in the general population with a frequency below the threshold expected for the associated phenotype(s). This variant has been observed in one or more individuals affected with the associated recessive disease, as either homozygous or compound heterozygous with a second variant (PMID: 33496032, 15486829). Given the available evidence, this variant is classified as Pathogenic.

Literature cited by the submitters: PubMed 16199547 (cited by Labcorp Genetics (formerly Invitae), Labcorp); PubMed 16602101 (cited by Labcorp Genetics (formerly Invitae), Labcorp); PubMed 15486829 (cited by 3 submitters); PubMed 33496032 (cited by Labcorp Genetics (formerly Invitae), Labcorp and Natera, Inc.); PubMed 37429829 (cited by Myriad Genetics, Inc.).

NM_002225.5(IVD):c.879-2A>G

Gene: IVD (isovaleryl-CoA dehydrogenase; plus strand). Cytogenetic location: 15q15.1.
Variant type: single nucleotide variant.
Coding change: c.879-2A>G on transcript NM_002225.5 (MANE Select); the canonical splice acceptor site of the intron before coding-DNA position 879, A replaced by G.
Molecular consequence: splice acceptor variant.
Genome position (GRCh38, 1-based): chr15:40,415,399, A>G. VCF-style: chr15-40415399-A-G. GRCh37 (hg19) VCF-style: chr15-40707598-A-G.
Other names: c.831-2A>G (NM_001354597.3); c.966-2A>G (NM_001354599.3, NM_001354600.3); c.789-2A>G (NM_001159508.3); c.879-2A>G (NM_001354598.3, NM_001354601.3); c.888-2A>G (NM_002225.3).
Identifiers: ClinVar variation 4081711 (VCV004081711.3).
Genomic context (GRCh38, chr15:40,415,399, plus strand): 5'-TTGCCACCACACCCGGTGGTGGGATGAGGAGGTGCCCACGGGGCCTTTCTCCTTTCTGAC[A>G]GGCTCATGCAAGCGGTCCTGGACCACACCATTCCCTACCTGCACGTGAGGGAAGCCTTTG-3'